The following is an entry in ClinVar:

NM_000391.4(TPP1):c.542C>T (p.Ser181Phe)

Gene: TPP1 (tripeptidyl peptidase 1; minus strand). Cytogenetic location: 11p15.4.
Variant type: single nucleotide variant.
Coding change: c.542C>T on transcript NM_000391.4 (MANE Select); coding-DNA position 542, C replaced by T.
Protein change: p.Ser181Phe; replaces serine 181 with phenylalanine.
Molecular consequence: missense variant.
Genome position (GRCh38, 1-based): chr11:6,617,120, G>A on the plus strand (C>T on the coding strand, the complement: TPP1 is on the minus strand). VCF-style: chr11-6617120-G-A. GRCh37 (hg19) VCF-style: chr11-6638351-G-A.
Other names: short protein forms S181F.
Identifiers: ClinVar variation 198075 (VCV000198075.67), dbSNP rs139059149, ClinGen allele CA246564.

ClinVar aggregate classification (germline): Conflicting classifications of pathogenicity. Review status: criteria provided, conflicting classifications (1 of 4 stars). 9 submissions from 9 submitters: Uncertain significance (4); Benign (1); Likely benign (3). 1 of the submissions does not count toward it. Last evaluated 2026-01-28.

Conditions:
TPP1-related disorder. Also called: TPP1-related condition.
Inborn genetic diseases. Identifiers: MedGen C0950123, MeSH D030342.

Allele frequency attached by ClinVar (database versions not stated): ExAC 0.00022; gnomAD exomes 0.00028; 1000 Genomes Project 30x 0.00078; ESP Exome Variant Server 0.00085; gnomAD 0.00093 and 0.00095; 1000 Genomes Project 0.00100; TOPMed 0.00128.

Submissions (9):

Labcorp Genetics (formerly Invitae), Labcorp
Classification: Likely benign. Last evaluated: 2026-01-28. Review status: criteria provided, single submitter. Criteria: Invitae Variant Classification Sherloc (09022015). Collection method: clinical testing. Allele origin: germline.

Blueprint Genetics
Classification: Benign. Last evaluated: 2024-07-26. Review status: criteria provided, single submitter. Criteria: ACMG Guidelines, 2015. Collection method: clinical testing. Allele origin: germline.

Mayo Clinic Laboratories, Mayo Clinic
Classification: Uncertain significance. Last evaluated: 2023-04-21. Review status: criteria provided, single submitter. Criteria: ACMG Guidelines, 2015. Collection method: clinical testing. Allele origin: germline. Observed: 3 variant alleles.
Comment: BP4

Ambry Genetics
Classification: Likely benign for Inborn genetic diseases. Last evaluated: 2023-01-23. Review status: criteria provided, single submitter. Criteria: Ambry Variant Classification Scheme 2023. Collection method: clinical testing. Allele origin: germline.

GeneDx
Classification: Likely benign. Last evaluated: 2021-05-06. Review status: criteria provided, single submitter. Criteria: GeneDx Variant Classification Process June 2021. Collection method: clinical testing. Allele origin: germline. Affected: yes.

CeGaT Center for Human Genetics Tuebingen
Classification: Uncertain significance. Last evaluated: 2018-04-01. Review status: criteria provided, single submitter. Criteria: CeGaT Center For Human Genetics Tuebingen Variant Classification Criteria Version 2. Collection method: clinical testing. Allele origin: germline. Affected: yes. Observed: 1 variant allele.

Eurofins Ntd Llc (ga)
Classification: Uncertain significance. Last evaluated: 2017-06-27. Review status: criteria provided, single submitter. Criteria: EGL Classification Definitions 2015. Collection method: clinical testing. Allele origin: germline. Observed: 2 variant alleles, 2 heterozygotes.

Athena Diagnostics
Classification: Uncertain significance. Last evaluated: 2016-08-22. Review status: criteria provided, single submitter. Criteria: Athena Diagnostics Criteria. Collection method: clinical testing. Allele origin: germline.

PreventionGenetics, part of Exact Sciences
Classification: Likely benign for TPP1-related condition. Last evaluated: 2024-06-13. Review status: no assertion criteria provided. Collection method: clinical testing. Allele origin: germline. Not counted in ClinVar's aggregate classification.
Comment: This variant is classified as likely benign based on ACMG/AMP sequence variant interpretation guidelines (Richards et al. 2015 PMID: 25741868, with internal and published modifications).